The following is an entry in ClinVar:

NM_000761.5(CYP1A2):c.-9-154C>A

Genes: CYP1A2 (cytochrome P450 family 1 subfamily A member 2; plus strand), LOC110467516 (CYP1A2 5' regulatory region; plus strand). Cytogenetic location: 15q24.1.
Variant type: single nucleotide variant.
Coding change: c.-9-154C>A on transcript NM_000761.5 (MANE Select); 154 bases into the intron before 9 bases upstream of the start codon, C replaced by A.
Molecular consequence: intron variant.
Genome position (GRCh38, 1-based): chr15:74,749,576, C>A. VCF-style: chr15-74749576-C-A. GRCh37 (hg19) VCF-style: chr15-75041917-C-A.
Other names: -163C>A; CYP1A2*1F; c.-9-154C>A (LRG_1274t1).
Identifiers: ClinVar variation 511079 (VCV000511079.2), dbSNP rs762551, ClinGen allele CA14135597.
Genomic context (GRCh38, chr15:74,749,576, plus strand): 5'-TCTTGAGGCTCCTTTCCAGCTCTCAGATTCTGTGATGCTCAAAGGGTGAGCTCTGTGGGC[C>A]CAGGACGCATGGTAGATGGAGCTTAGTCTTTCTGGTATCCAGCTGGGAGCCAAGCACAGA-3'

ClinVar aggregate classification (germline): Likely benign. Review status: criteria provided, multiple submitters, no conflicts (2 of 4 stars). 2 submissions from 2 submitters: Likely benign (2). Last evaluated 2018-03-09.

Allele frequency attached by ClinVar (database versions not stated): gnomAD 0.67254 and 0.67498; TOPMed 0.67551; 1000 Genomes Project 0.62979; 1000 Genomes Project 30x 0.63429.
gnomAD v4.1: 102,235 of 152,062 alleles (67%); highest among the groups gnomAD compares: Non-Finnish European, 71%; 34,665 homozygotes.

Submissions (2):

GeneDx
Classification: Likely benign. Last evaluated: 2018-03-09. Review status: criteria provided, single submitter. Criteria: GeneDx Variant Classification (06012015). Collection method: clinical testing. Allele origin: germline. Affected: yes.
Comment: This variant is considered likely benign or benign based on one or more of the following criteria: it is a conservative change, it occurs at a poorly conserved position in the protein, it is predicted to be benign by multiple in silico algorithms, and/or has population frequency not consistent with disease.

Breakthrough Genomics
Classification: Likely benign. Review status: criteria provided, single submitter. Criteria: ACMG Guidelines, 2015. Collection method: not provided. Allele origin: germline. Inheritance: Unknown mechanism. Affected: yes.